The following is an entry in ClinVar:

NM_015272.5(RPGRIP1L):c.354A>G (p.Lys118=)

Gene: RPGRIP1L (RPGRIP1 like; minus strand). Cytogenetic location: 16q12.2.
Variant type: single nucleotide variant.
Coding change: c.354A>G on transcript NM_015272.5 (MANE Select); coding-DNA position 354, A replaced by G.
Protein change: p.Lys118=; no amino-acid change (lysine 118 retained).
Molecular consequence: synonymous variant.
Genome position (GRCh38, 1-based): chr16:53,692,241, T>C on the plus strand (A>G on the coding strand, the complement: RPGRIP1L is on the minus strand). VCF-style: chr16-53692241-T-C. GRCh37 (hg19) VCF-style: chr16-53726153-T-C.
Other names: c.354A>G (NM_015272.4); c.354A>G, p.Lys118= (NM_001127897.4, NM_001308334.3, NM_001330538.2).
Identifiers: ClinVar variation 1116844 (VCV001116844.11), dbSNP rs1253988919, ClinGen allele CA495539241.
Genomic context (GRCh38, chr16:53,692,241, plus strand): 5'-CTGTTTGGCTGAAATCAGTCTGTTTTTGAGGGTTTCATTTTGTTTTTCAAGCTCATGAAC[T>C]TTCTCTTGCAGCTGCTCAATCATTTCTTCCATTTCCACATCTCGTCCCAGCCGCTTGGGG-3'
Protein context (NP_056087.2, residues 108-128): MEEMIEQLQE[Lys118=]VHELEKQNET

ClinVar aggregate classification (germline): Conflicting classifications of pathogenicity. Review status: criteria provided, conflicting classifications (1 of 4 stars). 3 submissions from 3 submitters: Uncertain significance (1); Likely benign (1). 1 of the submissions does not count toward it. Last evaluated 2024-01-02.

Conditions:
Joubert syndrome 7 (JBTS7). Identifiers: Orphanet 220497, MedGen C1969053, MONDO:0012694, OMIM 611560.
Meckel syndrome, type 5 (MKS5). Identifiers: Orphanet 564, MedGen C1969052, MONDO:0012695, OMIM 611561.
COACH syndrome 3. Identifiers: MedGen C5436841, MONDO:0030862, OMIM 619113.
RPGRIP1L-related disorder. Also called: RPGRIP1L-related disorders; RPGRIP1L-related condition. Identifiers: MedGen CN239416.
Meckel-Gruber syndrome. Also called: DYSENCEPHALIA SPLANCHNOCYSTICA; GRUBER SYNDROME; Dysencephalia splachnocystica. Identifiers: Orphanet 564, MedGen C0265215, MONDO:0018921.
Joubert syndrome. Also called: Familial aplasia of the vermis; JOUBERT-BOLTSHAUSER SYNDROME. Identifiers: Orphanet 475, MedGen C5979921, MONDO:0018772.

Allele frequency attached by ClinVar (database versions not stated): gnomAD 0.00001; gnomAD exomes 0.00001; TOPMed 0.00001.

Submissions (3):

Fulgent Genetics
Classification: Uncertain significance for Joubert syndrome 7; Meckel syndrome, type 5; COACH syndrome 3. Last evaluated: 2024-01-02. Review status: criteria provided, single submitter. Criteria: ACMG Guidelines, 2015. Collection method: clinical testing. Allele origin: germline.

Labcorp Genetics (formerly Invitae), Labcorp
Classification: Likely benign for Joubert syndrome; Meckel-Gruber syndrome. Last evaluated: 2020-11-24. Review status: criteria provided, single submitter. Criteria: Invitae Variant Classification Sherloc (09022015). Collection method: clinical testing. Allele origin: germline.

PreventionGenetics, part of Exact Sciences
Classification: Likely benign for RPGRIP1L-related condition. Last evaluated: 2022-12-29. Review status: no assertion criteria provided. Collection method: clinical testing. Allele origin: germline. Not counted in ClinVar's aggregate classification.
Comment: This variant is classified as likely benign based on ACMG/AMP sequence variant interpretation guidelines (Richards et al. 2015 PMID: 25741868, with internal and published modifications).